The following is an entry in ClinVar:

NM_033305.2(VPS13A):c.7157_7172del

Gene: VPS13A (vacuolar protein sorting 13 homolog A; plus strand). Cytogenetic location: 9q21.2.
Variant type: Deletion.
Coding change: c.7157_7172del on transcript NM_033305.2; coding-DNA positions 7157 to 7172, 16 bases deleted (TTGGAGGTATTATAGC).
Genome position (GRCh38, 1-based): chr9:77,345,010-77,345,025, TTGGAGGTATTATAGC deleted; deleting any 16 consecutive bases within chr9:77,345,006-77,345,025 gives the same sequence; the c. name uses the placement nearest the transcript's 3' end. VCF-style (leftmost placement, unchanged base first): chr9-77345005-CTAGCTTGGAGGTATTA-C. GRCh37 (hg19) VCF-style: chr9-79959921-CTAGCTTGGAGGTATTA-C.
Identifiers: ClinVar variation 2201403 (VCV002201403.6), ClinGen allele CA2579360532.

ClinVar aggregate classification (germline): Pathogenic/Likely pathogenic. Review status: criteria provided, multiple submitters, no conflicts (2 of 4 stars). 2 submissions from 2 submitters: Pathogenic (1); Likely pathogenic (1). Last evaluated 2025-06-12.

Conditions:
VPS13A-related neurodegenerative disease. Also called: VPS13A Disease; Choreaacanthocytosis; LEVINE-CRITCHLEY SYNDROME; Choreoacanthocytosis; Chorea-acanthocytosis; ACANTHOCYTOSIS WITH NEUROLOGIC DISORDER. Identifiers: Orphanet 2388, MedGen C0393576, MONDO:0008695, OMIM 200150.

Submissions (2):

Natera, Inc.
Classification: Likely pathogenic for Choreaacanthocytosis. Last evaluated: 2025-06-12. Review status: criteria provided, single submitter. Criteria: Natera Variant Classification Schema (03/2026). Collection method: clinical testing. Allele origin: germline.
Comment: The c.7157_7172del variant in VPS13A is a frameshift variant predicted to shift the reading frame beginning at codon 2386 and leads to a stop codon 3 codons downstream. This variant is expected to result in nonsense mediated decay, truncation, or a dysfunctional protein product. This variant is rare in the general population with a frequency below the threshold expected for the associated phenotype(s). Given the available evidence, this variant is classified as Likely Pathogenic.

Labcorp Genetics (formerly Invitae), Labcorp
Classification: Pathogenic. Last evaluated: 2024-03-14. Review status: criteria provided, single submitter. Criteria: Invitae Variant Classification Sherloc (09022015). Collection method: clinical testing. Allele origin: germline.
Comment: This sequence change creates a premature translational stop signal (p.Leu2386Glnfs*3) in the VPS13A gene. It is expected to result in an absent or disrupted protein product. Loss-of-function variants in VPS13A are known to be pathogenic (PMID: 12404112, 21598378). This variant is not present in population databases (gnomAD no frequency). This variant has not been reported in the literature in individuals affected with VPS13A-related conditions. ClinVar contains an entry for this variant (Variation ID: 2201403). For these reasons, this variant has been classified as Pathogenic.

Literature cited by the submitters: PubMed 12404112 (cited by Labcorp Genetics (formerly Invitae), Labcorp); PubMed 21598378 (cited by Labcorp Genetics (formerly Invitae), Labcorp).